The following is an entry in ClinVar:

NM_004415.4(DSP):c.6367C>A (p.Arg2123Ser)

Gene: DSP (desmoplakin; plus strand). Cytogenetic location: 6p24.3.
Variant type: single nucleotide variant.
Coding change: c.6367C>A on transcript NM_004415.4 (MANE Select); coding-DNA position 6367, C replaced by A.
Protein change: p.Arg2123Ser; replaces arginine 2123 with serine.
Molecular consequence: missense variant.
Genome position (GRCh38, 1-based): chr6:7,583,629, C>A. VCF-style: chr6-7583629-C-A. GRCh37 (hg19) VCF-style: chr6-7583862-C-A.
Other names: p.Arg2123Ser; c.4570C>A, p.Arg1524Ser (NM_001008844.3); c.5038C>A, p.Arg1680Ser (NM_001319034.2); short protein forms R1524S, R1680S, R2123S.
Identifiers: ClinVar variation 1753080 (VCV001753080.9), dbSNP rs372242085, ClinGen allele CA047435.

ClinVar aggregate classification (germline): Conflicting classifications of pathogenicity. Review status: criteria provided, conflicting classifications (1 of 4 stars). 4 submissions from 4 submitters: Uncertain significance (3); Likely benign (1). Last evaluated 2026-01-25.

Conditions:
Cardiovascular phenotype. Identifiers: MedGen CN230736.
Arrhythmogenic cardiomyopathy with wooly hair and keratoderma. Also called: PALMOPLANTAR KERATODERMA WITH LEFT VENTRICULAR CARDIOMYOPATHY AND WOOLLY HAIR; Carvajal syndrome; Dilated cardiomyopathy with woolly hair and keratoderma; Arrhythmogenic cardiomyopathy with woolly hair and keratoderma. Identifiers: Orphanet 65282, MedGen C1854063, MONDO:0011581, OMIM 605676.
Arrhythmogenic right ventricular dysplasia 8 (ARVD8). Also called: Arrhythmogenic Right Ventricular Dysplasia/Cardiomyopathy 8; ARRHYTHMOGENIC RIGHT VENTRICULAR DYSPLASIA, FAMILIAL, 8; ARRHYTHMOGENIC RIGHT VENTRICULAR CARDIOMYOPATHY 8. Identifiers: MedGen C1843896, MONDO:0011831, OMIM 607450.

gnomAD v4.1: 18 of 1,614,116 alleles (0.0011%); highest among the groups gnomAD compares: South Asian, 0.02%; no homozygotes.

Submissions (4):

Labcorp Genetics (formerly Invitae), Labcorp
Classification: Likely benign for Arrhythmogenic cardiomyopathy with wooly hair and keratoderma; Arrhythmogenic right ventricular dysplasia 8. Last evaluated: 2026-01-25. Review status: criteria provided, single submitter. Criteria: Invitae Variant Classification Sherloc (09022015). Collection method: clinical testing. Allele origin: germline.

Mayo Clinic Laboratories, Mayo Clinic
Classification: Uncertain significance. Last evaluated: 2025-06-05. Review status: criteria provided, single submitter. Criteria: ACMG Guidelines, 2015. Collection method: clinical testing. Allele origin: germline. Observed: 1 variant allele.
Comment: PP3

All of Us Research Program, National Institutes of Health
Classification: Uncertain significance for Arrhythmogenic cardiomyopathy with wooly hair and keratoderma. Last evaluated: 2023-10-06. Review status: criteria provided, single submitter. Criteria: ACMG Guidelines, 2015. Collection method: clinical testing. Allele origin: germline. Inheritance: Autosomal dominant inheritance. Observed: 1 variant allele, 1 heterozygote.
Comment: This missense variant replaces arginine with serine at codon 2123 of the DSP protein. Computational prediction suggests that this variant may have a deleterious impact on protein structure and function (internally defined REVEL score threshold >= 0.7, PMID: 27666373). To our knowledge, functional studies have not been reported for this variant. This variant has not been reported in individuals affected with DSP-related disorders in the literature. This variant has been identified in 2/251350 chromosomes in the general population by the Genome Aggregation Database (gnomAD). The available evidence is insufficient to determine the role of this variant in disease conclusively. Therefore, this variant is classified as a Variant of Uncertain Significance.

This study involves interpretation of variants in research participants for the purpose of population health screening. Participant phenotype was not available at the time of variant classification. Additional details can be found in publication PMID: 35346344, PMCID: PMC8962531

Ambry Genetics
Classification: Uncertain significance for Cardiovascular phenotype. Last evaluated: 2021-01-08. Review status: criteria provided, single submitter. Criteria: Ambry Variant Classification Scheme 2023. Collection method: clinical testing. Allele origin: germline.
Comment: The p.R2123S variant (also known as c.6367C>A), located in coding exon 24 of the DSP gene, results from a C to A substitution at nucleotide position 6367. The arginine at codon 2123 is replaced by serine, an amino acid with dissimilar properties. This amino acid position is highly conserved in available vertebrate species. In addition, this alteration is predicted to be deleterious by in silico analysis. Since supporting evidence is limited at this time, the clinical significance of this alteration remains unclear.